The following is an entry in ClinVar:

ClinVar aggregate classification (germline): Benign/Likely benign. Review status: criteria provided, multiple submitters, no conflicts (2 of 4 stars). 15 submissions from 15 submitters: Benign (14); Likely benign (1). Last evaluated 2026-02-04.

Conditions:
Hereditary cancer-predisposing syndrome. Also called: Neoplastic Syndromes, Hereditary; Hereditary Cancer Syndrome; Tumor predisposition; Hereditary neoplastic syndrome. Identifiers: Orphanet 140162, MedGen C0027672, MeSH D009386, MONDO:0015356.
Hereditary breast ovarian cancer syndrome. Also called: Hereditary breast and/or ovarian cancer syndrome; Hereditary breast and ovarian cancer syndrome (HBOC); Hereditary breast and ovarian cancer syndrome; Hereditary breast and ovarian cancer; Breast and ovarian cancer; BRCA1- and BRCA2-Associated Hereditary Breast and Ovarian Cancer. Identifiers: Orphanet 145, MedGen C0677776, MeSH D061325, MONDO:0003582. Disease mechanism: loss of function.
Familial cancer of breast. Also called: Hereditary breast cancer; hereditary breast carcinoma; BREAST CANCER, FAMILIAL. Identifiers: Orphanet 227535, MedGen C0346153, MONDO:0016419, OMIM 114480. Disease mechanism: loss of function.

Allele frequency attached by ClinVar (database versions not stated): 1000 Genomes Project 0.19030; 1000 Genomes Project 30x 0.19207; gnomAD 0.19573 and 0.19714; TOPMed 0.20123; ESP Exome Variant Server 0.20344; ExAC 0.20515; gnomAD exomes 0.20613.
gnomAD v4.1: 346,096 of 1,613,832 alleles (21%); highest among the groups gnomAD compares: South Asian, 24%; 37,931 homozygotes.

Submissions (15):

Labcorp Genetics (formerly Invitae), Labcorp
Classification: Benign for Familial cancer of breast. Last evaluated: 2026-02-04. Review status: criteria provided, single submitter. Criteria: Invitae Variant Classification Sherloc (09022015). Collection method: clinical testing. Allele origin: germline.

ARUP Laboratories, Molecular Genetics and Genomics, ARUP Laboratories
Classification: Benign for Familial cancer of breast. Last evaluated: 2025-07-30. Review status: criteria provided, single submitter. Criteria: ARUP Molecular Germline Variant Investigation Process 2024. Collection method: clinical testing. Allele origin: germline.

GeneKor MSA
Classification: Benign for Hereditary cancer-predisposing syndrome. Last evaluated: 2025-07-10. Review status: criteria provided, single submitter. Criteria: ACMG Guidelines, 2015. Collection method: clinical testing. Allele origin: germline.

Blueprint Genetics
Classification: Likely benign. Last evaluated: 2024-11-26. Review status: criteria provided, single submitter. Criteria: ACMG Guidelines, 2015. Collection method: clinical testing. Allele origin: germline.

Myriad Genetics, Inc.
Classification: Benign for Familial cancer of breast. Last evaluated: 2024-07-24. Review status: criteria provided, single submitter. Criteria: Myriad Autosomal Dominant, Autosomal Recessive and X-Linked Classification Criteria (2023). Collection method: clinical testing. Allele origin: unknown.
Comment: This variant is considered benign. This variant is a silent/synonymous amino acid change and it is not expected to impact splicing.

KCCC/NGS Laboratory, Kuwait Cancer Control Center
Classification: Benign for Familial cancer of breast. Last evaluated: 2023-07-07. Review status: criteria provided, single submitter. Criteria: ACMG Guidelines, 2015. Collection method: clinical testing. Allele origin: germline. Affected: yes.

Mayo Clinic Laboratories, Mayo Clinic
Classification: Benign. Last evaluated: 2022-05-05. Review status: criteria provided, single submitter. Criteria: ACMG Guidelines, 2015. Collection method: clinical testing. Allele origin: germline. Observed: 374 variant alleles.

National Health Laboratory Service, Universitas Academic Hospital and University of the Free State
Classification: Benign for Hereditary breast ovarian cancer syndrome. Last evaluated: 2022-04-19. Review status: criteria provided, single submitter. Criteria: ACMG Guidelines, 2015. Collection method: clinical testing. Allele origin: germline. Affected: yes. Observed: 89 variant alleles.

Illumina Laboratory Services, Illumina
Classification: Benign for Familial cancer of breast. Last evaluated: 2018-01-13. Review status: criteria provided, single submitter. Criteria: ICSL Variant Classification Criteria 13 December 2019. Collection method: clinical testing. Allele origin: germline.
Comment: This variant was observed in the ICSL laboratory as part of a predisposition screen in an ostensibly healthy population. It had not been previously curated by ICSL or reported in the Human Gene Mutation Database (HGMD: prior to June 1st, 2018), and was therefore a candidate for classification through an automated scoring system. Utilizing variant allele frequency, disease prevalence and penetrance estimates, and inheritance mode, an automated score was calculated to assess if this variant is too frequent to cause the disease. Based on the score and internal cut-off values, a variant classified as benign is not then subjected to further curation. The score for this variant resulted in a classification of benign for this disease.

Laboratory for Molecular Medicine, Mass General Brigham Personalized Medicine
Classification: Benign. Last evaluated: 2016-03-28. Review status: criteria provided, single submitter. Criteria: LMM Criteria. Collection method: clinical testing. Allele origin: germline.
Comment: Variant identified in a genome or exome case(s) and assessed due to predicted null impact of the variant or pathogenic assertions in the literature or databases. Disclaimer: This variant has not undergone full assessment. The following are preliminary notes: Frequency

Color Diagnostics, LLC DBA Color Health
Classification: Benign for Hereditary cancer-predisposing syndrome. Last evaluated: 2015-03-31. Review status: criteria provided, single submitter. Criteria: ACMG Guidelines, 2015. Collection method: clinical testing. Allele origin: germline.

GeneDx
Classification: Benign. Last evaluated: 2015-03-03. Review status: criteria provided, single submitter. Criteria: GeneDx Variant Classification Process June 2021. Collection method: clinical testing. Allele origin: germline. Affected: yes.

Ambry Genetics
Classification: Benign for Hereditary cancer-predisposing syndrome. Last evaluated: 2014-11-18. Review status: criteria provided, single submitter. Criteria: Ambry Variant Classification Scheme 2023. Collection method: clinical testing. Allele origin: germline.

Breakthrough Genomics
Classification: Benign. Review status: criteria provided, single submitter. Criteria: ACMG Guidelines, 2015. Collection method: not provided. Allele origin: germline. Inheritance: Autosomal dominant inheritance. Affected: yes.

PreventionGenetics, part of Exact Sciences
Classification: Benign. Review status: criteria provided, single submitter. Criteria: ACMG Guidelines, 2015. Collection method: clinical testing. Allele origin: germline.

NM_000465.4(BARD1):c.1053G>C (p.Thr351=)

Gene: BARD1 (BRCA1 associated RING domain 1; minus strand). Cytogenetic location: 2q35.
Variant type: single nucleotide variant.
Coding change: c.1053G>C on transcript NM_000465.4 (MANE Select); coding-DNA position 1053, G replaced by C.
Protein change: p.Thr351=; no amino-acid change (threonine 351 retained).
Molecular consequence: synonymous variant. On other transcripts: non-coding transcript variant (2), intron variant (3).
Genome position (GRCh38, 1-based): chr2:214,780,821, C>G on the plus strand (G>C on the coding strand, the complement: BARD1 is on the minus strand). VCF-style: chr2-214780821-C-G. GRCh37 (hg19) VCF-style: chr2-215645545-C-G.
Other names: NP_000456.2:p.Thr351=; p.Thr351=; c.996G>C, p.Thr332= (NM_001282543.2); c.159-28266G>C (NM_001282548.2); c.215+16240G>C (NM_001282545.2); c.364+11476G>C (NM_001282549.2).
Identifiers: ClinVar variation 142025 (VCV000142025.47), dbSNP rs2070096, ClinGen allele CA167168.
Genomic context (GRCh38, chr2:214,780,821, plus strand): 5'-TTTACGTTTGCATGAAGGTGGTGAAGAACATTCAGGCAATGGTATATTTTCTGAGGGCAC[C>G]GTTTGCTTAACAAAATCTCCACTGGTGCTCAGAATGCTGGTTCTACATCTCTTAGAAATG-3'
Protein context (NP_000456.2, residues 341-361): LSTSGDFVKQ[Thr351=]VPSENIPLPE